The following is an entry in ClinVar:

ClinVar aggregate classification (germline): Uncertain significance (1 of 4 stars; one submission).

gnomAD v4.1: 3 of 1,593,762 alleles (0.00019%); highest among the groups gnomAD compares: Non-Finnish European, 0.00026%; no homozygotes.

Submission:

Labcorp Genetics (formerly Invitae), Labcorp
Classification: Uncertain significance. Last evaluated: 2025-07-05. Review status: criteria provided, single submitter. Criteria: Invitae Variant Classification Sherloc (09022015). Collection method: clinical testing. Allele origin: germline.
Comment: This sequence change replaces leucine, which is neutral and non-polar, with tryptophan, which is neutral and slightly polar, at codon 227 of the CKAP2L protein (p.Leu227Trp). This variant is not present in population databases (gnomAD no frequency). This variant has not been reported in the literature in individuals affected with CKAP2L-related conditions. Invitae Evidence Modeling of protein sequence and biophysical properties (such as structural, functional, and spatial information, amino acid conservation, physicochemical variation, residue mobility, and thermodynamic stability) indicates that this missense variant is expected to disrupt CKAP2L protein function with a positive predictive value of 80%. In summary, the available evidence is currently insufficient to determine the role of this variant in disease. Therefore, it has been classified as a Variant of Uncertain Significance.

NM_152515.5(CKAP2L):c.680T>G (p.Leu227Trp)

Gene: CKAP2L (cytoskeleton associated protein 2 like; minus strand). Cytogenetic location: 2q14.1.
Variant type: single nucleotide variant.
Coding change: c.680T>G on transcript NM_152515.5 (MANE Select); coding-DNA position 680, T replaced by G.
Protein change: p.Leu227Trp; replaces leucine 227 with tryptophan.
Molecular consequence: missense variant.
Genome position (GRCh38, 1-based): chr2:112,756,691, A>C on the plus strand (T>G on the coding strand, the complement: CKAP2L is on the minus strand). VCF-style: chr2-112756691-A-C. GRCh37 (hg19) VCF-style: chr2-113514268-A-C.
Other names: c.185T>G, p.Leu62Trp (NM_001304361.2); short protein forms L227W, L62W.
Identifiers: ClinVar variation 4760490 (VCV004760490.1).